The following is an entry in ClinVar:

NM_001127222.2(CACNA1A):c.2011G>A (p.Glu671Lys)

Gene: CACNA1A (calcium voltage-gated channel subunit alpha1 A; minus strand). Cytogenetic location: 19p13.13.
Variant type: single nucleotide variant.
Coding change: c.2011G>A on transcript NM_001127222.2 (MANE Select); coding-DNA position 2011, G replaced by A.
Protein change: p.Glu671Lys; replaces glutamic acid 671 with lysine.
Molecular consequence: missense variant.
Genome position (GRCh38, 1-based): chr19:13,303,860, C>T on the plus strand (G>A on the coding strand, the complement: CACNA1A is on the minus strand). VCF-style: chr19-13303860-C-T. GRCh37 (hg19) VCF-style: chr19-13414674-C-T.
Other names: c.2014G>A, p.Glu672Lys (NM_000068.4, NM_001127221.2, NM_001174080.2 and 1 more transcripts); short protein forms E672K, E671K.
Identifiers: ClinVar variation 476237 (VCV000476237.12), dbSNP rs1434942721, ClinGen allele CA404344462.
Genomic context (GRCh38, chr19:13,303,860, plus strand): 5'-TGGAGAACACCATGCCGCCCTGCACGCCCCCCTGAGACTTGATCCCGTCGTACATGACCT[C>T]GTTCCAGTCTTCGCCCGTCAGGATCTGAAAGGGGAGGAAGAAACACACAGCCAACCCCCC-3'
Protein context (NP_001120694.1, residues 661-681): FQILTGEDWN[Glu671Lys]VMYDGIKSQG

ClinVar aggregate classification (germline): Conflicting classifications of pathogenicity. Review status: criteria provided, conflicting classifications (1 of 4 stars). 3 submissions from 3 submitters: Likely pathogenic (1); Uncertain significance (2). Last evaluated 2026-04-01.

Conditions:
Inborn genetic diseases. Identifiers: MedGen C0950123, MeSH D030342.
Developmental and epileptic encephalopathy, 42 (DEE42A). Also called: DEVELOPMENTAL AND EPILEPTIC ENCEPHALOPATHY 42A; EPILEPTIC ENCEPHALOPATHY, EARLY INFANTILE, 42A; Epileptic encephalopathy, early infantile, 42. Identifiers: MedGen C4310716, MONDO:0014917, OMIM 617106.
Episodic ataxia type 2 (EA2). Also called: ACETAZOLAMIDE-RESPONSIVE HEREDITARY PAROXYSMAL CEREBELLAR ATAXIA; ATAXIA, EPISODIC, WITH NYSTAGMUS; ATAXIA, FAMILIAL PAROXYSMAL; CEREBELLAR ATAXIA, PAROXYSMAL, ACETAZOLAMIDE-RESPONSIVE; CEREBELLOPATHY, HEREDITARY PAROXYSMAL; EPISODIC ATAXIA, NYSTAGMUS-ASSOCIATED. Identifiers: Orphanet 97, MedGen C1720416, MONDO:0007163, OMIM 108500.

Submissions (3):

Ambry Genetics
Classification: Likely pathogenic for Inborn genetic diseases. Last evaluated: 2026-04-01. Review status: criteria provided, single submitter. Criteria: Ambry Variant Classification Scheme 2023. Collection method: clinical testing. Allele origin: germline.
Comment: The c.2014G>A (p.E672K) alteration is located in exon 16 (coding exon 16) of the CACNA1A gene. This alteration results from a G to A substitution at nucleotide position 2014, causing the glutamic acid (E) at amino acid position 672 to be replaced by a lysine (K). for CACNA1A-related neurologic disorder; however, it is unlikely to be causative of CACNA1A-related spinocerebellar ataxia. The Genome Aggregation Database (gnomAD) data for this variant is unreliable due to technical and/or biological issues; therefore, population frequency estimates were not considered. This amino acid position is not well conserved in available vertebrate species. This missense alteration is located in a region that has a low rate of benign missense variation (Lek, 2016; Firth, 2009). This alteration is predicted to be deleterious by in silico analysis. Based on the available evidence, this alteration is classified as likely pathogenic.

Labcorp Genetics (formerly Invitae), Labcorp
Classification: Uncertain significance for Developmental and epileptic encephalopathy, 42; Episodic ataxia type 2. Last evaluated: 2022-07-12. Review status: criteria provided, single submitter. Criteria: Invitae Variant Classification Sherloc (09022015). Collection method: clinical testing. Allele origin: germline.
Comment: In summary, the available evidence is currently insufficient to determine the role of this variant in disease. Therefore, it has been classified as a Variant of Uncertain Significance. Advanced modeling of protein sequence and biophysical properties (such as structural, functional, and spatial information, amino acid conservation, physicochemical variation, residue mobility, and thermodynamic stability) performed at Invitae indicates that this missense variant is not expected to disrupt CACNA1A protein function. ClinVar contains an entry for this variant (Variation ID: 476237). This variant has not been reported in the literature in individuals affected with CACNA1A-related conditions. This variant is not present in population databases (gnomAD no frequency). This sequence change replaces glutamic acid, which is acidic and polar, with lysine, which is basic and polar, at codon 672 of the CACNA1A protein (p.Glu672Lys).

GeneDx
Classification: Uncertain significance. Last evaluated: 2021-09-14. Review status: criteria provided, single submitter. Criteria: GeneDx Variant Classification Process June 2021. Collection method: clinical testing. Allele origin: germline. Affected: yes.
Comment: In silico analysis supports that this missense variant does not alter protein structure/function; Has not been previously published as pathogenic or benign to our knowledge